The following is an entry in ClinVar:

ClinVar aggregate classification (germline): Uncertain significance (1 of 4 stars; one submission).

Conditions:
Immunodeficiency, common variable, 10. Also called: IMMUNODEFICIENCY, COMMON VARIABLE, WITH CENTRAL ADRENAL INSUFFICIENCY; DEFICIT IN ANTERIOR PITUITARY FUNCTION AND VARIABLE IMMUNODEFICIENCY. Identifiers: MedGen C3809991, MONDO:0014260, OMIM 615577.

Submission:

Labcorp Genetics (formerly Invitae), Labcorp
Classification: Uncertain significance for Immunodeficiency, common variable, 10. Last evaluated: 2021-11-05. Review status: criteria provided, single submitter. Criteria: Invitae Variant Classification Sherloc (09022015). Collection method: clinical testing. Allele origin: germline.
Comment: This sequence change replaces proline, which is neutral and non-polar, with serine, which is neutral and polar, at codon 380 of the NFKB2 protein (p.Pro380Ser). This variant is not present in population databases (gnomAD no frequency). This variant has not been reported in the literature in individuals affected with NFKB2-related conditions. Algorithms developed to predict the effect of missense changes on protein structure and function output the following: SIFT: "Tolerated"; PolyPhen-2: "Benign"; Align-GVGD: "Class C0". The serine amino acid residue is found in multiple mammalian species, which suggests that this missense change does not adversely affect protein function. In summary, the available evidence is currently insufficient to determine the role of this variant in disease. Therefore, it has been classified as a Variant of Uncertain Significance.

NM_001322934.2(NFKB2):c.1138C>T (p.Pro380Ser)

Genes: NFKB2 (nuclear factor kappa B subunit 2; plus strand), LOC130004599 (ATAC-STARR-seq lymphoblastoid silent region 2756; plus strand). Cytogenetic location: 10q24.32.
Variant type: single nucleotide variant.
Coding change: c.1138C>T on transcript NM_001322934.2 (MANE Select); coding-DNA position 1138, C replaced by T.
Protein change: p.Pro380Ser; replaces proline 380 with serine.
Molecular consequence: missense variant.
Genome position (GRCh38, 1-based): chr10:102,399,308, C>T. VCF-style: chr10-102399308-C-T. GRCh37 (hg19) VCF-style: chr10-104159065-C-T.
Other names: c.1138C>T, p.Pro380Ser (NM_001077494.3, NM_001261403.3, NM_001288724.1 and 1 more transcripts); c.1012C>T, p.Pro338Ser (NM_001322935.1); short protein forms P380S, P338S.
Identifiers: ClinVar variation 1490609 (VCV001490609.6), dbSNP rs1430785222, ClinGen allele CA377898618.